The following is an entry in ClinVar:

ClinVar aggregate classification (germline): Uncertain significance (1 of 4 stars; one submission).

Conditions:
Long QT syndrome (LQTS). Identifiers: MedGen C0023976, MeSH D008133, MONDO:0002442. Disease mechanism: loss of function. Inheritance: Various modes of inheritance.

Allele frequency attached by ClinVar (database versions not stated): gnomAD exomes below 0.00001.
gnomAD v4.1: 1 of 1,135,888 alleles (0.000088%); highest among the groups gnomAD compares: Non-Finnish European, 0.00011%; no homozygotes.

Submission:

Labcorp Genetics (formerly Invitae), Labcorp
Classification: Uncertain significance for Long QT syndrome. Last evaluated: 2022-03-19. Review status: criteria provided, single submitter. Criteria: Invitae Variant Classification Sherloc (09022015). Collection method: clinical testing. Allele origin: germline.
Comment: In summary, the available evidence is currently insufficient to determine the role of this variant in disease. Therefore, it has been classified as a Variant of Uncertain Significance. Algorithms developed to predict the effect of missense changes on protein structure and function are either unavailable or do not agree on the potential impact of this missense change (SIFT: "Deleterious"; PolyPhen-2: "Benign"; Align-GVGD: "Class C0"). This variant has not been reported in the literature in individuals affected with KCNQ1-related conditions. This variant is not present in population databases (gnomAD no frequency). This sequence change replaces alanine, which is neutral and non-polar, with valine, which is neutral and non-polar, at codon 23 of the KCNQ1 protein (p.Ala23Val).

NM_000218.3(KCNQ1):c.68C>T (p.Ala23Val)

Gene: KCNQ1 (potassium voltage-gated channel subfamily Q member 1; plus strand). Cytogenetic location: 11p15.5.
Variant type: single nucleotide variant.
Coding change: c.68C>T on transcript NM_000218.3 (MANE Select); coding-DNA position 68, C replaced by T.
Protein change: p.Ala23Val; replaces alanine 23 with valine.
Molecular consequence: missense variant.
Genome position (GRCh38, 1-based): chr11:2,445,166, C>T. VCF-style: chr11-2445166-C-T. GRCh37 (hg19) VCF-style: chr11-2466396-C-T.
Other names: c.68C>T, p.Ala23Val (NM_001406836.1, NM_001406838.1); c.-295C>T (NM_001406837.1); short protein forms A23V.
Identifiers: ClinVar variation 2114142 (VCV002114142.4), dbSNP rs2496740897, ClinGen allele CA379116026.